The following is an entry in ClinVar:

ClinVar aggregate classification (germline): Pathogenic (1 of 4 stars; one submission).

Submission:

Labcorp Genetics (formerly Invitae), Labcorp
Classification: Pathogenic. Last evaluated: 2022-11-24. Review status: criteria provided, single submitter. Criteria: Invitae Variant Classification Sherloc (09022015). Collection method: clinical testing. Allele origin: germline.
Comment: This sequence change creates a premature translational stop signal (p.Tyr1946*) in the EYS gene. It is expected to result in an absent or disrupted protein product. Loss-of-function variants in EYS are known to be pathogenic (PMID: 18836446, 20333770). This variant is not present in population databases (gnomAD no frequency). This variant has not been reported in the literature in individuals affected with EYS-related conditions. For these reasons, this variant has been classified as Pathogenic.

Literature cited by the submitters: PubMed 18836446; PubMed 20333770.

NM_001142800.2(EYS):c.5838C>A (p.Tyr1946Ter)

Gene: EYS (EGF-like photoreceptor maintenance factor; minus strand). Cytogenetic location: 6q12.
Variant type: single nucleotide variant.
Coding change: c.5838C>A on transcript NM_001142800.2 (MANE Select); coding-DNA position 5838, C replaced by A.
Protein change: p.Tyr1946Ter; replaces tyrosine 1946 with a stop codon.
Molecular consequence: nonsense.
Genome position (GRCh38, 1-based): chr6:64,436,263, G>T on the plus strand (C>A on the coding strand, the complement: EYS is on the minus strand). VCF-style: chr6-64436263-G-T. GRCh37 (hg19) VCF-style: chr6-65146156-G-T.
Other names: c.5838C>A, p.Tyr1946Ter (NM_001292009.2); short protein forms Y1946*.
Identifiers: ClinVar variation 2816483 (VCV002816483.3), dbSNP rs1774743884, ClinGen allele CA364392474.
Genomic context (GRCh38, chr6:64,436,263, plus strand): 5'-GTCCACTCTAACAGTAGTATTAATGCTTTTAAATTTTGCTTCACCAGGACAGTAAAAGTG[G>T]TACTGTTGGGGGAAAAAATTTTGTCCTCAAACAGTTTTTCAGCATGAAATTAATACCATA-3'